The following is an entry in ClinVar:

ClinVar aggregate classification (germline): Uncertain significance (1 of 4 stars; one submission).

Conditions:
Cone dystrophy 3 (COD3). Also called: RETINAL CONE DYSTROPHY. Identifiers: Orphanet 1872, MedGen C1865869, MONDO:0011193, OMIM 602093.

Submission:

Victorian Clinical Genetics Services, Murdoch Childrens Research Institute
Classification: Uncertain significance for Cone dystrophy 3. Last evaluated: 2020-06-11. Review status: criteria provided, single submitter. Criteria: ACMG Guidelines, 2015. Collection method: clinical testing. Allele origin: germline. Inheritance: Autosomal dominant inheritance.
Comment: Based on the classification scheme VCGS_Germline_v1.1.1, this variant is classified as 3C-VUS. Following criteria are met: 0101 - Gain-of-function is a known mechanism of disease for this gene. (N) 0107 - This gene is known to be associated with autosomal dominant disease. (N) 0200 - Variant is predicted to result in a missense amino acid change from glutamine to histidine (exon 3). (N) 0251 - Variant is heterozygous. (N) 0301 - Variant is absent from gnomAD. (P) 0503 - Missense variant consistently predicted to be tolerated or not conserved in mammals with a minor amino acid change. (B) 0600 - Variant is located in an annotated domain or motif (EF-hand 8 domain; Decipher, PDB, NCBI). (N) 0705 - No comparable variants have previous evidence for pathogenicity. (N) 0807 - Variant has not previously been reported in a clinical context. (N) 0905 - No segregation evidence has been identified for this variant. (N) 1007 - No published functional evidence has been identified for this variant. Father was not tested. (N) Legend: (P) - Pathogenic, (N) - Neutral, (B) - Benign

NM_001384910.1(GUCA1A):c.123G>C (p.Gln41His)

Genes: GUCA1ANB-GUCA1A (GUCA1ANB-GUCA1A readthrough; plus strand), GUCA1A (guanylate cyclase activator 1A; plus strand). Cytogenetic location: 6p21.1.
Variant type: single nucleotide variant.
Coding change: c.123G>C on transcript NM_001384910.1 (MANE Select); coding-DNA position 123, G replaced by C.
Protein change: p.Gln41His; replaces glutamine 41 with histidine.
Molecular consequence: missense variant.
Genome position (GRCh38, 1-based): chr6:42,173,736, G>C. VCF-style: chr6-42173736-G-C. GRCh37 (hg19) VCF-style: chr6-42141474-G-C.
Other names: c.123G>C, p.Gln41His (NM_000409.5, NM_001319061.2, NM_001319062.2); short protein forms Q41H.
Identifiers: ClinVar variation 1699437 (VCV001699437.3), dbSNP rs2113833431, ClinGen allele CA364105787.